The following is an entry in ClinVar:

NM_020975.6(RET):c.455C>T (p.Thr152Ile)

Gene: RET (ret proto-oncogene; plus strand). Cytogenetic location: 10q11.21.
Variant type: single nucleotide variant.
Coding change: c.455C>T on transcript NM_020975.6 (MANE Select); coding-DNA position 455, C replaced by T.
Protein change: p.Thr152Ile; replaces threonine 152 with isoleucine.
Molecular consequence: missense variant.
Genome position (GRCh38, 1-based): chr10:43,102,459, C>T. VCF-style: chr10-43102459-C-T. GRCh37 (hg19) VCF-style: chr10-43597907-C-T.
Other names: c.455C>T, p.Thr152Ile (NM_000323.2, NM_001406743.1, NM_001406744.1 and 16 more transcripts); short protein forms T152I.
Identifiers: ClinVar variation 1022158 (VCV001022158.9), dbSNP rs1837661343, ClinGen allele CA376770869.

ClinVar aggregate classification (germline): Uncertain significance (1 of 4 stars; one submission).

Conditions:
Multiple endocrine neoplasia, type 2 (MEN2). Identifiers: Orphanet 653, MedGen C4048306, MONDO:0019003. Disease mechanism: gain of function.

Submission:

Labcorp Genetics (formerly Invitae), Labcorp
Classification: Uncertain significance for Multiple endocrine neoplasia, type 2. Last evaluated: 2024-03-14. Review status: criteria provided, single submitter. Criteria: Invitae Variant Classification Sherloc (09022015). Collection method: clinical testing. Allele origin: germline.
Comment: This sequence change replaces threonine, which is neutral and polar, with isoleucine, which is neutral and non-polar, at codon 152 of the RET protein (p.Thr152Ile). This variant is not present in population databases (gnomAD no frequency). This variant has not been reported in the literature in individuals affected with RET-related conditions. ClinVar contains an entry for this variant (Variation ID: 1022158). An algorithm developed to predict the effect of missense changes on protein structure and function (PolyPhen-2) suggests that this variant is likely to be tolerated. In summary, the available evidence is currently insufficient to determine the role of this variant in disease. Therefore, it has been classified as a Variant of Uncertain Significance.